The following is an entry in ClinVar:

NM_000384.3(APOB):c.818+3A>G

Gene: APOB (apolipoprotein B; minus strand). Cytogenetic location: 2p24.1.
Variant type: single nucleotide variant.
Coding change: c.818+3A>G on transcript NM_000384.3 (MANE Select); 3 bases into the intron after coding-DNA position 818, A replaced by G.
Molecular consequence: intron variant.
Genome position (GRCh38, 1-based): chr2:21,035,581, T>C on the plus strand (A>G on the coding strand, the complement: APOB is on the minus strand). VCF-style: chr2-21035581-T-C. GRCh37 (hg19) VCF-style: chr2-21258453-T-C.
Identifiers: ClinVar variation 919759 (VCV000919759.6), dbSNP rs757734514, ClinGen allele CA065278.

ClinVar aggregate classification (germline): Uncertain significance (1 of 4 stars; one submission).

Conditions:
Familial hypobetalipoproteinemia 1. Also called: Hypobetalipoproteinemia, normotriglyceridemic; Acanthocytosis with hypobetalipoproteinemia; APOB-Related Familial Hypobetalipoproteinemia. Identifiers: MedGen C4551990, MONDO:0014252, OMIM 615558.
Hypercholesterolemia, autosomal dominant, type B (FHCL2). Also called: Familial Hypercholesterolemia Type B; HYPERCHOLESTEROLEMIA, FAMILIAL, DUE TO LIGAND-DEFECTIVE APOLIPOPROTEIN B; Familial hypercholesterolemia 2; APOB-Related Familial Hypercholesterolemia, Autosomal Dominant; APOLIPOPROTEIN B-100, FAMILIAL DEFECTIVE; APOLIPOPROTEIN B-100, FAMILIAL LIGAND-DEFECTIVE. Identifiers: MedGen C1704417, MONDO:0007751, OMIM 144010.

Allele frequency attached by ClinVar (database versions not stated): TOPMed below 0.00001; gnomAD 0.00001; gnomAD exomes 0.00001 and 0.00004; ExAC 0.00004.
gnomAD v4.1: 15 of 1,613,934 alleles (0.00093%); highest among the groups gnomAD compares: Admixed American, 0.022%; no homozygotes.

Submission:

Labcorp Genetics (formerly Invitae), Labcorp
Classification: Uncertain significance for Familial hypobetalipoproteinemia 1; Hypercholesterolemia, autosomal dominant, type B. Last evaluated: 2021-10-21. Review status: criteria provided, single submitter. Criteria: Invitae Variant Classification Sherloc (09022015). Collection method: clinical testing. Allele origin: germline.
Comment: This sequence change falls in intron 7 of the APOB gene. It does not directly change the encoded amino acid sequence of the APOB protein, but it affects a nucleotide within the consensus splice site of the intron. This variant is present in population databases (rs757734514, ExAC 0.04%). This variant has not been reported in the literature in individuals with APOB-related conditions. Nucleotide substitutions within the consensus splice site are a relatively common cause of aberrant splicing (PMID: 17576681, 9536098). Algorithms developed to predict the effect of sequence changes on RNA splicing suggest that this variant may disrupt the consensus splice site, but this prediction has not been confirmed by published transcriptional studies. In summary, the available evidence is currently insufficient to determine the role of this variant in disease. Therefore, it has been classified as a Variant of Uncertain Significance.

Literature cited by the submitters: PubMed 17576681; PubMed 9536098.